The following is an entry in ClinVar:

NC_000018.9:g.(?_29648241)_(29648367_?)dup

Gene: RNF125 (ring finger protein 125; plus strand). Cytogenetic location: 18q12.1.
Variant type: Duplication.
Identifiers: ClinVar variation 642635 (VCV000642635.6).

ClinVar aggregate classification (germline): Uncertain significance (1 of 4 stars; one submission).

Conditions:
Tenorio syndrome (TNORS). Also called: OVERGROWTH, MACROCEPHALY, AND INTELLECTUAL DISABILITY SYNDROME. Identifiers: MedGen C4015710, MONDO:0014553, OMIM 616260.

Submission:

Labcorp Genetics (formerly Invitae), Labcorp
Classification: Uncertain significance for Tenorio syndrome. Last evaluated: 2022-02-04. Review status: criteria provided, single submitter. Criteria: Invitae Variant Classification Sherloc (09022015). Collection method: clinical testing. Allele origin: germline.
Comment: This variant results in a copy number gain of the genomic region encompassing exon(s) 6 of the RNF125 gene. This region includes the termination codon of the gene. This copy number gain extends beyond the assayed region for this gene and therefore may encompass additional genes. As the precise location of this event is unknown, it may be in tandem or it may be located elsewhere in the genome. This variant has not been reported in the literature in individuals affected with RNF125-related conditions. In summary, the available evidence is currently insufficient to determine the role of this variant in disease. Therefore, it has been classified as a Variant of Uncertain Significance.